The following is an entry in ClinVar:

ClinVar aggregate classification (germline): Uncertain significance. Review status: criteria provided, multiple submitters, no conflicts (2 of 4 stars). 3 submissions from 3 submitters: Uncertain significance (3). Last evaluated 2026-03-20.

Conditions:
RYR1-related disorder. Also called: RYR1-related condition; RYR1-related disorders. Identifiers: MedGen CN239331.

Allele frequency attached by ClinVar (database versions not stated): TOPMed below 0.00001.
gnomAD v4.1: 1 of 1,613,990 alleles (0.000062%); highest among the groups gnomAD compares: East Asian, 0.0022%; no homozygotes.

Submissions (3):

PreventionGenetics, part of Exact Sciences
Classification: Uncertain significance for RYR1-related condition. Last evaluated: 2026-03-20. Review status: criteria provided, single submitter. Criteria: ACMG Guidelines, 2015. Collection method: clinical testing. Allele origin: germline.
Comment: The RYR1 c.1380C>G variant is predicted to result in the amino acid substitution p.His460Gln. This variant was reported in a study of patients with RYR1-related myopathy without clinical information or further evidence of pathogenicity (Kushnir et al. 2020. PubMed ID: 32236737). This variant is reported in 0.0055% of alleles in individuals of East Asian descent in gnomAD. At this time, the clinical significance of this variant is uncertain due to the absence of conclusive functional and genetic evidence.

Labcorp Genetics (formerly Invitae), Labcorp
Classification: Uncertain significance for RYR1-related disorder. Last evaluated: 2024-05-17. Review status: criteria provided, single submitter. Criteria: Invitae Variant Classification Sherloc (09022015). Collection method: clinical testing. Allele origin: germline.
Comment: This sequence change replaces histidine, which is basic and polar, with glutamine, which is neutral and polar, at codon 460 of the RYR1 protein (p.His460Gln). This variant is present in population databases (no rsID available, gnomAD 0.006%). This variant has not been reported in the literature in individuals affected with RYR1-related conditions. ClinVar contains an entry for this variant (Variation ID: 590438). Advanced modeling of protein sequence and biophysical properties (such as structural, functional, and spatial information, amino acid conservation, physicochemical variation, residue mobility, and thermodynamic stability) has been performed at Invitae for this missense variant, however the output from this modeling did not meet the statistical confidence thresholds required to predict the impact of this variant on RYR1 protein function. In summary, the available evidence is currently insufficient to determine the role of this variant in disease. Therefore, it has been classified as a Variant of Uncertain Significance.

Revvity Omics, Revvity
Classification: Uncertain significance. Last evaluated: 2019-06-12. Review status: criteria provided, single submitter. Criteria: ACMG Guidelines, 2015. Collection method: clinical testing. Allele origin: germline.

NM_000540.3(RYR1):c.1380C>G (p.His460Gln)

Gene: RYR1 (ryanodine receptor 1; plus strand). Cytogenetic location: 19q13.2.
Variant type: single nucleotide variant.
Coding change: c.1380C>G on transcript NM_000540.3 (MANE Select); coding-DNA position 1380, C replaced by G.
Protein change: p.His460Gln; replaces histidine 460 with glutamine.
Molecular consequence: missense variant.
Genome position (GRCh38, 1-based): chr19:38,452,954, C>G. VCF-style: chr19-38452954-C-G. GRCh37 (hg19) VCF-style: chr19-38943594-C-G.
Other names: c.1380C>G, p.His460Gln (NM_001042723.2); short protein forms H460Q.
Identifiers: ClinVar variation 590438 (VCV000590438.10), dbSNP rs750304434, ClinGen allele CA405686328.